The following is an entry in ClinVar:

ClinVar aggregate classification (germline): Pathogenic (1 of 4 stars; one submission).

Conditions:
Epilepsy, childhood absence, susceptibility to, 1. Also called: Epilepsy, childhood absence 1. Identifiers: Orphanet 64280, MedGen C1838604, MONDO:0020759, OMIM 600131.
Epilepsy, childhood absence, susceptibility to, 5. Identifiers: Orphanet 64280, MedGen C2677087, MONDO:0012843, OMIM 612269.

Submission:

Labcorp Genetics (formerly Invitae), Labcorp
Classification: Pathogenic for Epilepsy, childhood absence, susceptibility to, 5; Epilepsy, childhood absence, susceptibility to, 1. Last evaluated: 2025-03-25. Review status: criteria provided, single submitter. Criteria: Invitae Variant Classification Sherloc (09022015). Collection method: clinical testing. Allele origin: germline.
Comment: This sequence change creates a premature translational stop signal (p.Pro16Argfs*13) in the GABRB3 gene. It is expected to result in an absent or disrupted protein product. Loss-of-function variants in GABRB3 are known to be pathogenic (PMID: 26950270, 28053010). The frequency data for this variant in the population databases is considered unreliable, as metrics indicate poor data quality at this position in the gnomAD database. This variant has not been reported in the literature in individuals affected with GABRB3-related conditions. For these reasons, this variant has been classified as Pathogenic.

Literature cited by the submitters: PubMed 26950270; PubMed 28053010.

NM_000814.6(GABRB3):c.47del (p.Pro16fs)

Gene: GABRB3 (gamma-aminobutyric acid type A receptor subunit beta3; minus strand). Cytogenetic location: 15q12.
Variant type: Deletion.
Coding change: c.47del on transcript NM_000814.6 (MANE Select); coding-DNA position 47, one base deleted (C; older notation c.47delC).
Protein change: p.Pro16fs; shifts the reading frame from proline 16.
Molecular consequence: frameshift variant. On other transcripts: 5 prime UTR variant (1), intron variant (1).
Genome position (GRCh38, 1-based): chr15:26,772,916, G deleted on the plus strand (C on the coding strand, the reverse complement: GABRB3 is on the minus strand); the first of 4 consecutive G bases (chr15:26,772,916-26,772,919); deleting any one gives the same sequence. VCF-style (leftmost placement, unchanged base first): chr15-26772915-CG-C. GRCh37 (hg19) VCF-style: chr15-27018062-CG-C.
Other names: c.-305del (NM_001278631.2); c.81-144del (NM_021912.5); short protein forms P16fs.
Identifiers: ClinVar variation 3759723 (VCV003759723.2).